The following is an entry in ClinVar:

ClinVar aggregate classification (germline): Likely pathogenic (1 of 4 stars; one submission).

Conditions:
Trichorhinophalangeal dysplasia type I (TRPS1). Also called: TRICHORHINOPHALANGEAL SYNDROME, TYPE I; TRPS I. Identifiers: Orphanet 77258, MedGen C0432233, MONDO:0008596, OMIM 190350.
Trichorhinophalangeal syndrome, type III (TRPS3). Also called: SUGIO-KAJII SYNDROME. Identifiers: Orphanet 77258, MedGen C1860823, OMIM 190351, MONDO:0008597.

Submission:

Labcorp Genetics (formerly Invitae), Labcorp
Classification: Likely pathogenic for Trichorhinophalangeal syndrome, type III; Trichorhinophalangeal dysplasia type I. Last evaluated: 2019-08-23. Review status: criteria provided, single submitter. Criteria: Invitae Variant Classification Sherloc (09022015). Collection method: clinical testing. Allele origin: unknown.
Comment: In summary, the currently available evidence indicates that the variant is pathogenic, but additional data are needed to prove that conclusively. Therefore, this variant has been classified as Likely Pathogenic. Loss-of-function variants in TRPS1 are known to be pathogenic (PMID: 11112658). This variant has not been reported in the literature in individuals with TRPS1-related conditions. This variant results in the deletion of part of exon 4 (c.1919_2096+2929del) of the TRPS1 gene. It is expected to disrupt RNA splicing and likely results in an absent or disrupted protein product.

Literature cited by the submitters: PubMed 11112658.

NC_000008.10:g.(?_116613171)_(116616277_?)del

Gene: TRPS1 (transcriptional repressor GATA binding 1; minus strand). Cytogenetic location: 8q23.3.
Variant type: Deletion.
Identifiers: ClinVar variation 3245511 (VCV003245511.1).